The following is an entry in ClinVar:

ClinVar aggregate classification (germline): Pathogenic. Review status: criteria provided, multiple submitters, no conflicts (2 of 4 stars). 3 submissions from 3 submitters: Pathogenic (3). Last evaluated 2025-03-03.

Conditions:
Hereditary cancer-predisposing syndrome. Also called: Neoplastic Syndromes, Hereditary; Hereditary neoplastic syndrome; Tumor predisposition; Hereditary Cancer Syndrome. Identifiers: Orphanet 140162, MedGen C0027672, MeSH D009386, MONDO:0015356.
Multiple endocrine neoplasia, type 1 (MEN1). Also called: MEA I; MEN I; WERMER SYNDROME; Endocrine adenomatosis multiple; MEN 1. Identifiers: Orphanet 652, MedGen C0025267, MeSH D018761, MONDO:0007540, OMIM 131100.

Allele frequency attached by ClinVar (database versions not stated): gnomAD exomes below 0.00001.

Submissions (3):

Ambry Genetics
Classification: Pathogenic for Hereditary cancer-predisposing syndrome. Last evaluated: 2025-03-03. Review status: criteria provided, single submitter. Criteria: Ambry Variant Classification Scheme 2023. Collection method: clinical testing. Allele origin: germline.
Comment: The p.Q349* pathogenic mutation (also known as c.1045C>T), located in coding exon 6 of the MEN1 gene, results from a C to T substitution at nucleotide position 1045. This changes the amino acid from a glutamine to a stop codon within coding exon 6. This mutation has been described in individuals with a clinical diagnosis of multiple endocrine neoplasia type 1 (MEN1), whose features included parathyroid, pancreatic, and pituitary tumors (Bassett JH, Am. J. Hum. Genet. 1998 Feb; 62(2):232-44).This variant is considered to be rare based on population cohorts in the Genome Aggregation Database (gnomAD). In addition to the clinical data presented in the literature, this alteration is expected to result in loss of function by premature protein truncation or nonsense-mediated mRNA decay. As such, this alteration is interpreted as a disease-causing mutation.

Women's Health and Genetics/Laboratory Corporation of America, LabCorp
Classification: Pathogenic for Multiple endocrine neoplasia, type 1. Last evaluated: 2023-04-04. Review status: criteria provided, single submitter. Criteria: LabCorp Variant Classification Summary - May 2015. Collection method: clinical testing. Allele origin: germline.
Comment: Variant summary: MEN1 c.1045C>T (p.Gln349X) results in a premature termination codon, predicted to cause a truncation of the encoded protein or absence of the protein due to nonsense mediated decay, which are commonly known mechanisms for disease. Truncations downstream of this position have been classified as pathogenic by our laboratory. The variant was absent in 251448 control chromosomes (gnomAD). c.1045C>T has been reported in the literature in multiple individuals affected with Multiple Endocrine Neoplasia Type 1 and the variant segregated with the disease (example: Basset_1998 and Newy_2009). These data indicate that the variant is very likely to be associated with disease. One clinical diagnostic laboratory has submitted clinical-significance assessments for this variant to ClinVar after 2014 and classified the variant as pathogenic. Based on the evidence outlined above, the variant was classified as pathogenic.

Laboratorio de Genetica e Diagnostico Molecular, Hospital Israelita Albert Einstein
Classification: Pathogenic for Multiple endocrine neoplasia, type 1. Last evaluated: 2022-01-28. Review status: criteria provided, single submitter. Criteria: ACMG Guidelines, 2015. Collection method: clinical testing. Allele origin: germline. Affected: yes.
Comment: ACMG classification criteria: PVS1 very strong, PS4 moderate, PM2 moderate, PP1

Literature cited by the submitters: PubMed 9463336 (cited by Ambry Genetics and Women's Health and Genetics/Laboratory Corporation of America, LabCorp); PubMed 19622622 (cited by Women's Health and Genetics/Laboratory Corporation of America, LabCorp).

NM_001370259.2(MEN1):c.1045C>T (p.Gln349Ter)

Gene: MEN1 (menin 1; minus strand). Cytogenetic location: 11q13.1.
Variant type: single nucleotide variant.
Coding change: c.1045C>T on transcript NM_001370259.2 (MANE Select); coding-DNA position 1045, C replaced by T.
Protein change: p.Gln349Ter; replaces glutamine 349 with a stop codon.
Molecular consequence: nonsense.
Genome position (GRCh38, 1-based): chr11:64,806,236, G>A on the plus strand (C>T on the coding strand, the complement: MEN1 is on the minus strand). VCF-style: chr11-64806236-G-A. GRCh37 (hg19) VCF-style: chr11-64573708-G-A.
Other names: c.1045C>T (NM_130799.2); c.1060C>T, p.Gln354Ter (NM_000244.4, NM_130800.3, NM_130801.3 and 3 more transcripts); c.1045C>T, p.Gln349Ter (NM_001370251.2, NM_001370260.2, NM_001370261.2 and 1 more transcripts); c.940C>T, p.Gln314Ter (NM_001370262.2, NM_001370263.2); short protein forms Q314*, Q349*, Q354*.
Identifiers: ClinVar variation 1683568 (VCV001683568.4), dbSNP rs2136117686, ClinGen allele CA381183154.